The following is an entry in ClinVar:

NM_001105206.3(LAMA4):c.2976+4A>G

Gene: LAMA4 (laminin subunit alpha 4; minus strand). Cytogenetic location: 6q21.
Variant type: single nucleotide variant.
Coding change: c.2976+4A>G on transcript NM_001105206.3 (MANE Select); 4 bases into the intron after coding-DNA position 2976, A replaced by G.
Molecular consequence: intron variant.
Genome position (GRCh38, 1-based): chr6:112,140,756, T>C on the plus strand (A>G on the coding strand, the complement: LAMA4 is on the minus strand). VCF-style: chr6-112140756-T-C. GRCh37 (hg19) VCF-style: chr6-112461958-T-C.
Other names: c.2955+4A>G (NM_002290.5, NM_001105207.3).
Identifiers: ClinVar variation 2155588 (VCV002155588.4), dbSNP rs1173139276, ClinGen allele CA817287042.
Genomic context (GRCh38, chr6:112,140,756, plus strand): 5'-TATGGATTTATAAAAACAATTACTGTAGATTTGTAATAGGTCAAAATATAGCTGTATGGC[T>C]GACCTTGAAGTTGGAAGGCACTCCACCAACATAAAACACTGTGTCCTCAGGGTCCAGGTC-3'

ClinVar aggregate classification (germline): Uncertain significance (1 of 4 stars; one submission).

Conditions:
Dilated cardiomyopathy 1JJ (CMD1JJ). Identifiers: Orphanet 154, MedGen C3808935, MONDO:0014095, OMIM 615235.

Allele frequency attached by ClinVar (database versions not stated): gnomAD exomes below 0.00001; TOPMed below 0.00001; gnomAD 0.00001.
gnomAD v4.1: 4 of 1,613,592 alleles (0.00025%); highest among the groups gnomAD compares: Middle Eastern, 0.016%; no homozygotes.

Submission:

Labcorp Genetics (formerly Invitae), Labcorp
Classification: Uncertain significance for Dilated cardiomyopathy 1JJ. Last evaluated: 2022-05-03. Review status: criteria provided, single submitter. Criteria: Invitae Variant Classification Sherloc (09022015). Collection method: clinical testing. Allele origin: germline.
Comment: This variant has not been reported in the literature in individuals affected with LAMA4-related conditions. In summary, the available evidence is currently insufficient to determine the role of this variant in disease. Therefore, it has been classified as a Variant of Uncertain Significance. Variants that disrupt the consensus splice site are a relatively common cause of aberrant splicing (PMID: 17576681, 9536098). Algorithms developed to predict the effect of sequence changes on RNA splicing suggest that this variant is not likely to affect RNA splicing. This variant is not present in population databases (gnomAD no frequency). This sequence change falls in intron 22 of the LAMA4 gene. It does not directly change the encoded amino acid sequence of the LAMA4 protein. It affects a nucleotide within the consensus splice site.

Literature cited by the submitters: PubMed 17576681; PubMed 9536098.